The following is an entry in ClinVar:

ClinVar aggregate classification (germline): Uncertain significance. Review status: criteria provided, multiple submitters, no conflicts (2 of 4 stars). 4 submissions from 4 submitters: Uncertain significance (3). 1 of the submissions does not count toward it. Last evaluated 2026-01-12.

Conditions:
Malignant hyperthermia, susceptibility to, 1 (MHS1). Also called: RYR1-Related Malignant Hyperthermia Susceptibility; Anesthesia related hyperthermia; Malignant hyperpyrexia; Fulminating hyperpyrexia; Pharmacogenic myopathy; Malignant hyperthermia suceptibility 1. Identifiers: Orphanet 423, MedGen C2930980, MONDO:0007783, OMIM 145600.
Congenital myopathy with fiber type disproportion. Also called: Congenital fiber-type disproportion myopathy; Congenital fiber-type disproportion. Identifiers: Orphanet 2020, MedGen C0546264, MONDO:0009711. Inheritance: all.
Central core myopathy (CMYO1A). Also called: CONGENITAL MYOPATHY 1A, AUTOSOMAL DOMINANT, WITH SUSCEPTIBILITY TO MALIGNANT HYPERTHERMIA; Central core disease; Myopathy, central fibrillar. Identifiers: Orphanet 597, MedGen C5830701, MONDO:0007294, OMIM 117000.
Congenital multicore myopathy with external ophthalmoplegia (CMYO1B). Also called: Minicore myopathy with external ophthalmoplegia; MULTIMINICORE DISEASE WITH EXTERNAL OPHTHALMOPLEGIA; MULTICORE MYOPATHY; Congenital myopathy 1B, autosomal recessive; Minicore myopathy. Identifiers: Orphanet 598, Orphanet 98905, MedGen C1850674, MONDO:0009712, OMIM 255320, HP:0003789.
King Denborough syndrome (KDS). Identifiers: MedGen C1840365, MONDO:0020485, OMIM 619542.
RYR1-related disorder. Also called: RYR1-related disorders; RYR1-related condition. Identifiers: MedGen CN239331.

Submissions (4):

Labcorp Genetics (formerly Invitae), Labcorp
Classification: Uncertain significance for RYR1-related disorder. Last evaluated: 2026-01-12. Review status: criteria provided, single submitter. Criteria: Invitae Variant Classification Sherloc (09022015). Collection method: clinical testing. Allele origin: germline.
Comment: This sequence change replaces methionine, which is neutral and non-polar, with valine, which is neutral and non-polar, at codon 1169 of the RYR1 protein (p.Met1169Val). This variant is present in population databases (no rsID available, gnomAD 0.0009%). This variant has not been reported in the literature in individuals affected with RYR1-related conditions. ClinVar contains an entry for this variant (Variation ID: 1059239). Invitae Evidence Modeling of protein sequence and biophysical properties (such as structural, functional, and spatial information, amino acid conservation, physicochemical variation, residue mobility, and thermodynamic stability) indicates that this missense variant is not expected to disrupt RYR1 protein function with a negative predictive value of 80%. In summary, the available evidence is currently insufficient to determine the role of this variant in disease. Therefore, it has been classified as a Variant of Uncertain Significance.

All of Us Research Program, National Institutes of Health
Classification: Uncertain significance for Malignant hyperthermia, susceptibility to, 1. Last evaluated: 2024-08-06. Review status: criteria provided, single submitter. Criteria: ACMG Guidelines, 2015. Collection method: clinical testing. Allele origin: germline. Inheritance: Autosomal dominant inheritance. Observed: 1 variant allele, 1 heterozygote.
Comment: This study involves interpretation of variants in research participants for the purpose of population health screening. Participant phenotype was not available at the time of variant classification. Additional details can be found in publication PMID: 35346344, PMCID: PMC8962531

Fulgent Genetics
Classification: Uncertain significance for Central core myopathy; Malignant hyperthermia, susceptibility to, 1; Congenital myopathy 4A, autosomal dominant; Congenital multicore myopathy with external ophthalmoplegia; King Denborough syndrome. Last evaluated: 2021-08-30. Review status: criteria provided, single submitter. Criteria: ACMG Guidelines, 2015. Collection method: clinical testing. Allele origin: unknown.

PreventionGenetics, part of Exact Sciences
Classification: Uncertain significance for RYR1-related condition. Last evaluated: 2024-06-13. Review status: no assertion criteria provided. Collection method: clinical testing. Allele origin: germline. Not counted in ClinVar's aggregate classification.
Comment: The RYR1 c.3505A>G variant is predicted to result in the amino acid substitution p.Met1169Val. To our knowledge, this variant has not been reported in the literature. This variant is reported in 0.00088% of alleles in individuals of European (non-Finnish) descent in gnomAD. At this time, the clinical significance of this variant is uncertain due to the absence of conclusive functional and genetic evidence.

NM_000540.3(RYR1):c.3505A>G (p.Met1169Val)

Gene: RYR1 (ryanodine receptor 1; plus strand). Cytogenetic location: 19q13.2.
Variant type: single nucleotide variant.
Coding change: c.3505A>G on transcript NM_000540.3 (MANE Select); coding-DNA position 3505, A replaced by G.
Protein change: p.Met1169Val; replaces methionine 1169 with valine.
Molecular consequence: missense variant.
Genome position (GRCh38, 1-based): chr19:38,469,089, A>G. VCF-style: chr19-38469089-A-G. GRCh37 (hg19) VCF-style: chr19-38959729-A-G.
Other names: c.3505A>G (NM_000540.2); c.3505A>G, p.Met1169Val (NM_001042723.2); short protein forms M1169V.
Identifiers: ClinVar variation 1059239 (VCV001059239.10), dbSNP rs139069946, ClinGen allele CA405638721.